The following is an entry in ClinVar:

ClinVar aggregate classification (germline): Likely pathogenic (1 of 4 stars; one submission).

Conditions:
Spastic paraplegia. Identifiers: MedGen C0037772, HP:0001258.

Submissions (2):

Labcorp Genetics (formerly Invitae), Labcorp
Classification: Likely pathogenic for Spastic paraplegia. Last evaluated: 2023-05-27. Review status: criteria provided, single submitter. Criteria: Invitae Variant Classification Sherloc (09022015). Collection method: clinical testing. Allele origin: germline.
Comment: This variant is not present in population databases (gnomAD no frequency). In summary, the currently available evidence indicates that the variant is pathogenic, but additional data are needed to prove that conclusively. Therefore, this variant has been classified as Likely Pathogenic. Algorithms developed to predict the effect of sequence changes on RNA splicing suggest that this variant may disrupt the consensus splice site. This variant has not been reported in the literature in individuals affected with KDM5C-related conditions. This sequence change affects a donor splice site in intron 6 of the KDM5C gene. It is expected to disrupt RNA splicing. Variants that disrupt the donor or acceptor splice site typically lead to a loss of protein function (PMID: 16199547), and loss-of-function variants in KDM5C are known to be pathogenic (PMID: 15586325, 18697827).

Dr. Peter K. Rogan Lab, Western University
No classification provided (evidence only). Condition: Thyroid cancer, nonmedullary, 1. Review status: no classification provided. Collection method: in vitro. Allele origin: not applicable. Functional consequence: retained intron. Not counted in ClinVar's aggregate classification.

Literature cited by the submitters: PubMed 16199547 (cited by Labcorp Genetics (formerly Invitae), Labcorp); PubMed 15586325 (cited by Labcorp Genetics (formerly Invitae), Labcorp); PubMed 18697827 (cited by Labcorp Genetics (formerly Invitae), Labcorp).

NM_004187.5(KDM5C):c.781+1G>A

Gene: KDM5C (lysine demethylase 5C; minus strand). Cytogenetic location: Xp11.22.
Variant type: single nucleotide variant.
Coding change: c.781+1G>A on transcript NM_004187.5 (MANE Select); the canonical splice donor site of the intron after coding-DNA position 781, G replaced by A.
Molecular consequence: splice donor variant.
Genome position (GRCh38, 1-based): chrX:53,216,073, C>T on the plus strand (G>A on the coding strand, the complement: KDM5C is on the minus strand). VCF-style: chrX-53216073-C-T. GRCh37 (hg19) VCF-style: chrX-53245255-C-T.
Other names: c.778+1G>A (NM_001353982.2, NM_001353979.2, NM_001282622.3); c.781+1G>A (NM_001353981.2, NM_001353984.2, NM_001353978.3); c.580+1G>A (NM_001146702.2).
Identifiers: ClinVar variation 2971430 (VCV002971430.4), dbSNP rs1408778179, ClinGen allele CA413133342.